The following is an entry in ClinVar:

NM_018139.3(DNAAF2):c.263G>A (p.Cys88Tyr)

Gene: DNAAF2 (dynein axonemal assembly factor 2; minus strand). Cytogenetic location: 14q21.3.
Variant type: single nucleotide variant.
Coding change: c.263G>A on transcript NM_018139.3 (MANE Select); coding-DNA position 263, G replaced by A.
Protein change: p.Cys88Tyr; replaces cysteine 88 with tyrosine.
Molecular consequence: missense variant.
Genome position (GRCh38, 1-based): chr14:49,634,887, C>T on the plus strand (G>A on the coding strand, the complement: DNAAF2 is on the minus strand). VCF-style: chr14-49634887-C-T. GRCh37 (hg19) VCF-style: chr14-50101605-C-T.
Other names: c.263G>A, p.Cys88Tyr (NM_001083908.2); short protein forms C88Y.
Identifiers: ClinVar variation 313289 (VCV000313289.19), dbSNP rs549457480, ClinGen allele CA7173137.

ClinVar aggregate classification (germline): Conflicting classifications of pathogenicity. Review status: criteria provided, conflicting classifications (1 of 4 stars). 4 submissions from 4 submitters: Uncertain significance (3); Likely benign (1). Last evaluated 2025-12-15.

Conditions:
Primary ciliary dyskinesia. Also called: Ciliary dyskinesia. Identifiers: Orphanet 244, MedGen C0008780, MONDO:0016575, HP:0012265.
Primary ciliary dyskinesia 10. Also called: CILIARY DYSKINESIA, PRIMARY, 10, WITH OR WITHOUT SITUS INVERSUS. Identifiers: Orphanet 244, MedGen C2675867, MONDO:0012918, OMIM 612518.

Allele frequency attached by ClinVar (database versions not stated): gnomAD exomes 0.00006 and 0.00009; 1000 Genomes Project 0.00020; ExAC 0.00024; 1000 Genomes Project 30x 0.00031; gnomAD 0.00054 and 0.00056; TOPMed 0.00057.

Submissions (4):

Labcorp Genetics (formerly Invitae), Labcorp
Classification: Likely benign for Primary ciliary dyskinesia. Last evaluated: 2025-12-15. Review status: criteria provided, single submitter. Criteria: Invitae Variant Classification Sherloc (09022015). Collection method: clinical testing. Allele origin: germline.

Blueprint Genetics
Classification: Uncertain significance. Last evaluated: 2021-09-14. Review status: criteria provided, single submitter. Criteria: ACMG Guidelines, 2015. Collection method: clinical testing. Allele origin: germline.

Ambry Genetics
Classification: Uncertain significance for Primary ciliary dyskinesia. Last evaluated: 2018-02-02. Review status: criteria provided, single submitter. Criteria: Ambry Variant Classification Scheme 2023. Collection method: clinical testing. Allele origin: germline.
Comment: The p.C88Y variant (also known as c.263G>A), located in coding exon 1 of the DNAAF2 gene, results from a G to A substitution at nucleotide position 263. The cysteine at codon 88 is replaced by tyrosine, an amino acid with highly dissimilar properties. This amino acid position is highly conserved in available vertebrate species. In addition, the in silico prediction for this alteration is inconclusive. Since supporting evidence is limited at this time, the clinical significance of this alteration remains unclear.

Illumina Laboratory Services, Illumina
Classification: Uncertain significance for Primary ciliary dyskinesia 10. Last evaluated: 2018-01-13. Review status: criteria provided, single submitter. Criteria: ICSL Variant Classification Criteria 13 December 2019. Collection method: clinical testing. Allele origin: germline.